The following is an entry in ClinVar:

ClinVar aggregate classification (germline): Uncertain significance (1 of 4 stars; one submission).

Conditions:
Gastrointestinal stromal tumor. Also called: Gastrointestinal stromal tumor, somatic; Gastrointestinal stroma tumor. Identifiers: Orphanet 44890, MedGen C0238198, MeSH D046152, MONDO:0011719, OMIM 606764, HP:0100723.

Submission:

Labcorp Genetics (formerly Invitae), Labcorp
Classification: Uncertain significance for Gastrointestinal stromal tumor. Last evaluated: 2020-02-29. Review status: criteria provided, single submitter. Criteria: Invitae Variant Classification Sherloc (09022015). Collection method: clinical testing. Allele origin: germline.
Comment: This sequence change replaces alanine with glycine at codon 533 of the KIT protein (p.Ala533Gly). The alanine residue is highly conserved and there is a small physicochemical difference between alanine and glycine. This variant is not present in population databases (ExAC no frequency). This variant has not been reported in the literature in individuals with KIT-related disease. ClinVar contains an entry for this variant (Variation ID: 220839). Algorithms developed to predict the effect of missense changes on protein structure and function (SIFT, PolyPhen-2, Align-GVGD) all suggest that this variant is likely to be disruptive, but these predictions have not been confirmed by published functional studies and their clinical significance is uncertain. In summary, the available evidence is currently insufficient to determine the role of this variant in disease. Therefore, it has been classified as a Variant of Uncertain Significance.

NM_000222.3(KIT):c.1598C>G (p.Ala533Gly)

Gene: KIT (KIT proto-oncogene, receptor tyrosine kinase; plus strand). Cytogenetic location: 4q12.
Variant type: single nucleotide variant.
Coding change: c.1598C>G on transcript NM_000222.3 (MANE Select); coding-DNA position 1598, C replaced by G.
Protein change: p.Ala533Gly; replaces alanine 533 with glycine.
Molecular consequence: missense variant.
Genome position (GRCh38, 1-based): chr4:54,727,275, C>G. VCF-style: chr4-54727275-C-G. GRCh37 (hg19) VCF-style: chr4-55593441-C-G.
Other names: c.1586C>G, p.Ala529Gly (NM_001093772.2, NM_001385286.1); c.1601C>G, p.Ala534Gly (NM_001385284.1, NM_001385290.1); c.1598C>G, p.Ala533Gly (NM_001385285.1); c.1589C>G, p.Ala530Gly (NM_001385288.1, NM_001385292.1); short protein forms A533G, A529G, A530G, A534G.
Identifiers: ClinVar variation 220839 (VCV000220839.9), dbSNP rs753212327, ClinGen allele CA350360.